The following is an entry in ClinVar:

ClinVar aggregate classification (germline): Pathogenic. Review status: criteria provided, multiple submitters, no conflicts (2 of 4 stars). 2 submissions from 2 submitters: Pathogenic (2). Last evaluated 2024-06-27.

Submissions (2):

GeneDx
Classification: Pathogenic. Last evaluated: 2024-06-27. Review status: criteria provided, single submitter. Criteria: GeneDx Variant Classification Process June 2021. Collection method: clinical testing. Allele origin: germline. Affected: yes.
Comment: Nonsense variant predicted to result in protein truncation or nonsense mediated decay in a gene for which loss of function is a known mechanism of disease; Not observed at significant frequency in large population cohorts (gnomAD); Has not been previously published as pathogenic or benign to our knowledge

Labcorp Genetics (formerly Invitae), Labcorp
Classification: Pathogenic. Last evaluated: 2024-06-05. Review status: criteria provided, single submitter. Criteria: Invitae Variant Classification Sherloc (09022015). Collection method: clinical testing. Allele origin: germline.
Comment: This sequence change creates a premature translational stop signal (p.Tyr285*) in the PHIP gene. It is expected to result in an absent or disrupted protein product. Loss-of-function variants in PHIP are known to be pathogenic (PMID: 27900362). This variant is not present in population databases (gnomAD no frequency). This variant has not been reported in the literature in individuals affected with PHIP-related conditions. ClinVar contains an entry for this variant (Variation ID: 523912). For these reasons, this variant has been classified as Pathogenic.

Literature cited by the submitters: PubMed 27900362 (cited by Labcorp Genetics (formerly Invitae), Labcorp).

NM_017934.7(PHIP):c.855T>A (p.Tyr285Ter)

Gene: PHIP (PHIP subunit of CUL4-Ring ligase complex; minus strand). Cytogenetic location: 6q14.1.
Variant type: single nucleotide variant.
Coding change: c.855T>A on transcript NM_017934.7 (MANE Select); coding-DNA position 855, T replaced by A.
Protein change: p.Tyr285Ter; replaces tyrosine 285 with a stop codon.
Molecular consequence: nonsense.
Genome position (GRCh38, 1-based): chr6:79,025,587, A>T on the plus strand (T>A on the coding strand, the complement: PHIP is on the minus strand). VCF-style: chr6-79025587-A-T. GRCh37 (hg19) VCF-style: chr6-79735304-A-T.
Other names: short protein forms Y285*.
Identifiers: ClinVar variation 523912 (VCV000523912.5), dbSNP rs774075356, ClinGen allele CA364638343.